The following is an entry in ClinVar:

NM_001134407.3(GRIN2A):c.3095C>T (p.Ser1032Phe)

Gene: GRIN2A (glutamate ionotropic receptor NMDA type subunit 2A; minus strand). Cytogenetic location: 16p13.2.
Variant type: single nucleotide variant.
Coding change: c.3095C>T on transcript NM_001134407.3 (MANE Select); coding-DNA position 3095, C replaced by T.
Protein change: p.Ser1032Phe; replaces serine 1032 with phenylalanine.
Molecular consequence: missense variant.
Genome position (GRCh38, 1-based): chr16:9,764,449, G>A on the plus strand (C>T on the coding strand, the complement: GRIN2A is on the minus strand). VCF-style: chr16-9764449-G-A. GRCh37 (hg19) VCF-style: chr16-9858306-G-A.
Other names: c.3095C>T, p.Ser1032Phe (NM_000833.5, NM_001134408.2); short protein forms S1032F.
Identifiers: ClinVar variation 2630620 (VCV002630620.1), dbSNP rs2141134909, ClinGen allele CA394708680.

ClinVar aggregate classification (germline): Uncertain significance (1 of 4 stars; one submission).

Conditions:
GRIN2A-related complex neurodevelopmental disorder. Also called: GRIN2A-related condition; GRIN2A-related disorder. Identifiers: MedGen CN379781, MONDO:1060139.

gnomAD v4.1: 3 of 1,614,116 alleles (0.00019%); highest among the groups gnomAD compares: African/African-American, 0.0027%; 1 homozygote.

Submission:

PreventionGenetics, part of Exact Sciences
Classification: Uncertain significance for GRIN2A-related condition. Last evaluated: 2023-03-01. Review status: criteria provided, single submitter. Criteria: ACMG Guidelines, 2015. Collection method: clinical testing. Allele origin: germline.
Comment: The GRIN2A c.3095C>T variant is predicted to result in the amino acid substitution p.Ser1032Phe. To our knowledge, this variant has not been reported in the literature or in a large population database, indicating this variant is rare. At this time, the clinical significance of this variant is uncertain due to the absence of conclusive functional and genetic evidence.